The following is an entry in ClinVar:

ClinVar aggregate classification (germline): Likely benign (1 of 4 stars; one submission).

gnomAD v4.1: 2 of 1,613,944 alleles (0.00012%); no homozygotes.

Submission:

CeGaT Center for Human Genetics Tuebingen
Classification: Likely benign. Last evaluated: 2026-06-01. Review status: criteria provided, single submitter. Criteria: CeGaT Center For Human Genetics Tuebingen Variant Classification Criteria Version 2. Collection method: clinical testing. Allele origin: germline. Affected: yes. Observed: 1 variant allele.
Comment: FCRL1: BP4, BP7

NM_052938.5(FCRL1):c.711G>C (p.Pro237=)

Gene: FCRL1 (Fc receptor like 1; minus strand). Cytogenetic location: 1q23.1.
Variant type: single nucleotide variant.
Coding change: c.711G>C on transcript NM_052938.5 (MANE Select); coding-DNA position 711, G replaced by C.
Protein change: p.Pro237=; no amino-acid change (proline 237 retained).
Molecular consequence: synonymous variant.
Genome position (GRCh38, 1-based): chr1:157,802,090, C>G on the plus strand (G>C on the coding strand, the complement: FCRL1 is on the minus strand). VCF-style: chr1-157802090-C-G. GRCh37 (hg19) VCF-style: chr1-157771880-C-G.
Other names: c.711G>C, p.Pro237= (NM_001159397.2, NM_001159398.2).
Identifiers: ClinVar variation 4873779 (VCV004873779.2).
Genomic context (GRCh38, chr1:157,802,090, plus strand): 5'-TCCAGAGGGGGCCGACCTGCTCCCCAGGGTGATATCCTCGTGATAAAACCAGTACAGGAT[C>G]GGAGGAGAGCCTCTCAGGGCCTCACAGTGAAGCTCCAGCACATCCTCCACTGCAGCCTGG-3'
Protein context (NP_443170.1, residues 227-247): LHCEALRGSP[Pro237=]ILYWFYHEDI